The following is an entry in ClinVar:

ClinVar aggregate classification (germline): Uncertain significance. Review status: criteria provided, multiple submitters, no conflicts (2 of 4 stars). 2 submissions from 2 submitters: Uncertain significance (2). Last evaluated 2025-10-14.

Conditions:
Hereditary cancer-predisposing syndrome. Also called: Neoplastic Syndromes, Hereditary; Tumor predisposition; Hereditary Cancer Syndrome; Hereditary neoplastic syndrome. Identifiers: Orphanet 140162, MedGen C0027672, MeSH D009386, MONDO:0015356.
Gastrointestinal stromal tumor. Also called: Gastrointestinal stromal tumor, somatic; Gastrointestinal stroma tumor. Identifiers: Orphanet 44890, MedGen C0238198, MeSH D046152, MONDO:0011719, OMIM 606764, HP:0100723.

Submissions (2):

Ambry Genetics
Classification: Uncertain significance for Hereditary cancer-predisposing syndrome. Last evaluated: 2025-10-14. Review status: criteria provided, single submitter. Criteria: Ambry Variant Classification Scheme 2023. Collection method: clinical testing. Allele origin: germline.
Comment: The p.S46Y variant (also known as c.137C>A), located in coding exon 2 of the PDGFRA gene, results from a C to A substitution at nucleotide position 137. The serine at codon 46 is replaced by tyrosine, an amino acid with dissimilar properties. This amino acid position is conserved. In addition, this alteration is predicted to be tolerated by in silico analysis. Based on the available evidence, the clinical significance of this variant remains unclear.

Labcorp Genetics (formerly Invitae), Labcorp
Classification: Uncertain significance for Gastrointestinal stromal tumor. Last evaluated: 2024-09-17. Review status: criteria provided, single submitter. Criteria: Invitae Variant Classification Sherloc (09022015). Collection method: clinical testing. Allele origin: germline.
Comment: This sequence change replaces serine, which is neutral and polar, with tyrosine, which is neutral and polar, at codon 46 of the PDGFRA protein (p.Ser46Tyr). This variant is not present in population databases (gnomAD no frequency). This variant has not been reported in the literature in individuals affected with PDGFRA-related conditions. Invitae Evidence Modeling of protein sequence and biophysical properties (such as structural, functional, and spatial information, amino acid conservation, physicochemical variation, residue mobility, and thermodynamic stability) indicates that this missense variant is not expected to disrupt PDGFRA protein function with a negative predictive value of 80%. In summary, the available evidence is currently insufficient to determine the role of this variant in disease. Therefore, it has been classified as a Variant of Uncertain Significance.

NM_006206.6(PDGFRA):c.137C>A (p.Ser46Tyr)

Gene: PDGFRA (platelet derived growth factor receptor alpha; plus strand). Cytogenetic location: 4q12.
Variant type: single nucleotide variant.
Coding change: c.137C>A on transcript NM_006206.6 (MANE Select); coding-DNA position 137, C replaced by A.
Protein change: p.Ser46Tyr; replaces serine 46 with tyrosine.
Molecular consequence: missense variant.
Genome position (GRCh38, 1-based): chr4:54,261,182, C>A. VCF-style: chr4-54261182-C-A. GRCh37 (hg19) VCF-style: chr4-55127349-C-A.
Other names: c.137C>A, p.Ser46Tyr (NM_001347827.2, NM_001347829.2); c.212C>A, p.Ser71Tyr (NM_001347828.2); c.176C>A, p.Ser59Tyr (NM_001347830.2); short protein forms S59Y, S71Y, S46Y.
Identifiers: ClinVar variation 3691848 (VCV003691848.2).